The following is an entry in ClinVar:

NM_022124.6(CDH23):c.1853A>G (p.Tyr618Cys)

Gene: CDH23 (cadherin related 23; plus strand). Cytogenetic location: 10q22.1.
Variant type: single nucleotide variant.
Coding change: c.1853A>G on transcript NM_022124.6 (MANE Select); coding-DNA position 1853, A replaced by G.
Protein change: p.Tyr618Cys; replaces tyrosine 618 with cysteine.
Molecular consequence: missense variant.
Genome position (GRCh38, 1-based): chr10:71,679,487, A>G. VCF-style: chr10-71679487-A-G. GRCh37 (hg19) VCF-style: chr10-73439244-A-G.
Other names: c.1853A>G, p.Tyr618Cys (NM_001171930.2, NM_001171931.2); short protein forms Y618C.
Identifiers: ClinVar variation 451527 (VCV000451527.52), dbSNP rs778493031, ClinGen allele CA5543979.

ClinVar aggregate classification (germline): Uncertain significance. Review status: criteria provided, multiple submitters, no conflicts (2 of 4 stars). 4 submissions from 4 submitters: Uncertain significance (4). Last evaluated 2023-08-17.

Allele frequency attached by ClinVar (database versions not stated): gnomAD exomes below 0.00001; ExAC 0.00001.
gnomAD v4.1: 2 of 1,607,010 alleles (0.00012%); highest among the groups gnomAD compares: South Asian, 0.0011%; no homozygotes.

Submissions (4):

Labcorp Genetics (formerly Invitae), Labcorp
Classification: Uncertain significance. Last evaluated: 2023-08-17. Review status: criteria provided, single submitter. Criteria: Invitae Variant Classification Sherloc (09022015). Collection method: clinical testing. Allele origin: germline.
Comment: Advanced modeling of protein sequence and biophysical properties (such as structural, functional, and spatial information, amino acid conservation, physicochemical variation, residue mobility, and thermodynamic stability) performed at Invitae indicates that this missense variant is not expected to disrupt CDH23 protein function. ClinVar contains an entry for this variant (Variation ID: 451527). This variant has not been reported in the literature in individuals affected with CDH23-related conditions. This variant is present in population databases (rs778493031, gnomAD 0.001%). This sequence change replaces tyrosine, which is neutral and polar, with cysteine, which is neutral and slightly polar, at codon 618 of the CDH23 protein (p.Tyr618Cys). In summary, the available evidence is currently insufficient to determine the role of this variant in disease. Therefore, it has been classified as a Variant of Uncertain Significance.

CeGaT Center for Human Genetics Tuebingen
Classification: Uncertain significance. Last evaluated: 2019-10-01. Review status: criteria provided, single submitter. Criteria: CeGaT Center For Human Genetics Tuebingen Variant Classification Criteria Version 2. Collection method: clinical testing. Allele origin: germline. Affected: yes. Observed: 1 variant allele.

Laboratory for Molecular Medicine, Mass General Brigham Personalized Medicine
Classification: Uncertain significance. Last evaluated: 2019-01-04. Review status: criteria provided, single submitter. Criteria: LMM Criteria. Collection method: clinical testing. Allele origin: germline. Observed: 1 variant allele.
Comment: This variant was identified in 1/104828 European chromosomes by gnomAD. Computational prediction tools and conservation analysis suggest that this variant may impact the protein, though this information is not predictive enough to determine pathogenicity. In summary, the clinical signific ance of this variant is uncertain. ACMG/AMP Criteria applied: PM2, PP3, PM6.

GeneDx
Classification: Uncertain significance. Last evaluated: 2017-09-06. Review status: criteria provided, single submitter. Criteria: GeneDx Variant Classification (06012015). Collection method: clinical testing. Allele origin: germline. Affected: yes.
Comment: The Y618C variant in the CDH23 gene has not been reported previously as a pathogenic variant, nor as a benign variant, to our knowledge. The Y618C variant is not observed at a significant frequency in large population cohorts (Lek et al., 2016). The Y618C variant is a non-conservative amino acid substitution, which is likely to impact secondary protein structure as these residues differ in polarity, charge, size and/or other properties. This substitution occurs at a position that is conserved across species. In silico analysis is inconsistent in its predictions as to whether or not the variant is damaging to the protein structure/function. We interpret Y618C as a variant of uncertain significance.